The following is an entry in ClinVar:

ClinVar aggregate classification (germline): Uncertain significance (1 of 4 stars; one submission).

Submission:

Labcorp Genetics (formerly Invitae), Labcorp
Classification: Uncertain significance. Last evaluated: 2025-10-07. Review status: criteria provided, single submitter. Criteria: Invitae Variant Classification Sherloc (09022015). Collection method: clinical testing. Allele origin: germline.
Comment: This sequence change replaces serine, which is neutral and polar, with threonine, which is neutral and polar, at codon 291 of the MBD4 protein (p.Ser291Thr). This variant is not present in population databases (gnomAD no frequency). This variant has not been reported in the literature in individuals affected with MBD4-related conditions. An algorithm developed to predict the effect of missense changes on protein structure and function (PolyPhen-2) suggests that this variant is likely to be tolerated. In summary, the available evidence is currently insufficient to determine the role of this variant in disease. Therefore, it has been classified as a Variant of Uncertain Significance.

NM_001276270.2(MBD4):c.871T>A (p.Ser291Thr)

Gene: MBD4 (methyl-CpG binding domain 4, DNA glycosylase; minus strand). Cytogenetic location: 3q21.3.
Variant type: single nucleotide variant.
Coding change: c.871T>A on transcript NM_001276270.2 (MANE Select); coding-DNA position 871, T replaced by A.
Protein change: p.Ser291Thr; replaces serine 291 with threonine.
Molecular consequence: missense variant. On other transcripts: intron variant (1).
Genome position (GRCh38, 1-based): chr3:129,436,773, A>T on the plus strand (T>A on the coding strand, the complement: MBD4 is on the minus strand). VCF-style: chr3-129436773-A-T. GRCh37 (hg19) VCF-style: chr3-129155616-A-T.
Other names: c.871T>A, p.Ser291Thr (NM_001276271.2, NM_001276272.2, NM_003925.3); c.247+1035T>A (NM_001276273.2); short protein forms S291T.
Identifiers: ClinVar variation 4728595 (VCV004728595.1).
Genomic context (GRCh38, chr3:129,436,773, plus strand): 5'-TTACAAGGCTGTTTTCTTCACTGGTCACACTGAGGGTCTCACCACATGCTCCAGCATCAG[A>T]AATGCAGACAGTTCTATCAAGCTGACTTTTTTGTGCAACAGGTTCACTTTCAGCATCTGC-3'
Protein context (NP_001263199.1, residues 281-301): KSQLDRTVCI[Ser291Thr]DAGACGETLS